The following is an entry in ClinVar:

NM_177438.3(DICER1):c.2334_2338del (p.Thr779fs)

Gene: DICER1 (dicer 1, ribonuclease III; minus strand). Cytogenetic location: 14q32.13.
Variant type: Deletion.
Coding change: c.2334_2338del on transcript NM_177438.3 (MANE Select); coding-DNA positions 2334 to 2338, 5 bases deleted (TACAC; older notation c.2334_2338delTACAC).
Protein change: p.Thr779fs; shifts the reading frame from threonine 779.
Molecular consequence: frameshift variant. On other transcripts: non-coding transcript variant (6).
Genome position (GRCh38, 1-based): chr14:95,108,422-95,108,426, GTGTA deleted on the plus strand (TACAC on the coding strand, the reverse complement: DICER1 is on the minus strand); deleting any 5 consecutive bases within chr14:95,108,422-95,108,428 gives the same sequence; the c. name uses the placement nearest the transcript's 3' end. VCF-style (leftmost placement, unchanged base first): chr14-95108421-GGTGTA-G. GRCh37 (hg19) VCF-style: chr14-95574758-GGTGTA-G.
Other names: c.2334_2338del, p.Thr779fs (NM_001195573.1, NM_001271282.3, NM_001291628.2 and 12 more transcripts); c.2052_2056del, p.Thr685fs (NM_001395686.1); c.1929_1933del, p.Thr644fs (NM_001395687.1, NM_001395688.1, NM_001395689.1 and 2 more transcripts); c.1767_1771del, p.Thr590fs (NM_001395691.1); c.651_655del, p.Thr218fs (NM_001395697.1); c.2334_2338delTACAC (NM_177438.2); short protein forms T779fs, T590fs, T218fs, T644fs, T685fs.
Identifiers: ClinVar variation 3501934 (VCV003501934.1).
Genomic context (GRCh38, chr14:95,108,421, plus strand): 5'-CTTGTGGTATCTTCAGGAGGATAGAGCTTCCGCCTTCTAAAGTTGAGTTCATCAGGTAAA[GGTGTA>G]GTTAAAACCATTCCTATCACATACAGGTAACAGGGCTGATCAGGTCTGGGATAACTATCC-3'

ClinVar aggregate classification (germline): Pathogenic (1 of 4 stars; one submission).

Conditions:
Hereditary cancer-predisposing syndrome. Also called: Tumor predisposition; Neoplastic Syndromes, Hereditary; Hereditary Cancer Syndrome; Hereditary neoplastic syndrome. Identifiers: Orphanet 140162, MedGen C0027672, MeSH D009386, MONDO:0015356.

Submission:

Ambry Genetics
Classification: Pathogenic for Hereditary cancer-predisposing syndrome. Last evaluated: 2024-11-09. Review status: criteria provided, single submitter. Criteria: Ambry Variant Classification Scheme 2023. Collection method: clinical testing. Allele origin: germline.
Comment: The c.2334_2338delTACAC pathogenic mutation, located in coding exon 14 of the DICER1 gene, results from a deletion of 5 nucleotides at nucleotide positions 2334 to 2338, causing a translational frameshift with a predicted alternate stop codon (p.T779Ffs*3).This variant is considered to be rare based on population cohorts in the Genome Aggregation Database (gnomAD).This alteration is expected to result in loss of function by premature protein truncation or nonsense-mediated mRNA decay. As such, this alteration is interpreted as a disease-causing mutation.